The following is an entry in ClinVar:

NM_005097.4(LGI1):c.1355T>C (p.Ile452Thr)

Gene: LGI1 (leucine rich glioma inactivated 1; plus strand). Cytogenetic location: 10q23.33.
Variant type: single nucleotide variant.
Coding change: c.1355T>C on transcript NM_005097.4 (MANE Select); coding-DNA position 1355, T replaced by C.
Protein change: p.Ile452Thr; replaces isoleucine 452 with threonine.
Molecular consequence: missense variant. On other transcripts: non-coding transcript variant (1), intron variant (1).
Genome position (GRCh38, 1-based): chr10:93,797,484, T>C. VCF-style: chr10-93797484-T-C. GRCh37 (hg19) VCF-style: chr10-95557241-T-C.
Other names: c.1211T>C, p.Ile404Thr (NM_001308276.2); c.839-265T>C (NM_001308275.2); short protein forms I404T, I452T.
Identifiers: ClinVar variation 2446046 (VCV002446046.4), dbSNP rs2492919581, ClinGen allele CA377629335.
Genomic context (GRCh38, chr10:93,797,484, plus strand): 5'-TGTACGCAGTGAAGCACTTCTCAGTGAAAGGGGACGTGTACATTTGCTTGACAAGATTCA[T>C]TGGTGATTCCAAAGTCATGAAATGGGGAGGCTCCTCGTTCCAGGATATTCAGAGGATGCC-3'
Protein context (NP_005088.1, residues 442-462): GDVYICLTRF[Ile452Thr]GDSKVMKWGG

ClinVar aggregate classification (germline): Uncertain significance. Review status: criteria provided, multiple submitters, no conflicts (2 of 4 stars). 4 submissions from 4 submitters: Uncertain significance (3). 1 of the submissions does not count toward it. Last evaluated 2025-10-16.

Conditions:
Autosomal dominant epilepsy.
Autosomal dominant epilepsy with auditory features. Identifiers: Orphanet 101046, MedGen C1838062, MONDO:0010898.
Epilepsy, familial temporal lobe, 1. Identifiers: Orphanet 101046, MedGen CN030884, MONDO:0700090, OMIM 600512.

Allele frequency attached by ClinVar (database versions not stated): gnomAD exomes below 0.00001.

Submissions (4):

Labcorp Genetics (formerly Invitae), Labcorp
Classification: Uncertain significance for Autosomal dominant epilepsy with auditory features. Last evaluated: 2025-10-16. Review status: criteria provided, single submitter. Criteria: Invitae Variant Classification Sherloc (09022015). Collection method: clinical testing. Allele origin: germline.
Comment: This sequence change replaces isoleucine, which is neutral and non-polar, with threonine, which is neutral and polar, at codon 452 of the LGI1 protein (p.Ile452Thr). This variant is not present in population databases (gnomAD no frequency). This variant has not been reported in the literature in individuals affected with LGI1-related conditions. ClinVar contains an entry for this variant (Variation ID: 2446046). Invitae Evidence Modeling of protein sequence and biophysical properties (such as structural, functional, and spatial information, amino acid conservation, physicochemical variation, residue mobility, and thermodynamic stability) indicates that this missense variant is not expected to disrupt LGI1 protein function with a negative predictive value of 80%. In summary, the available evidence is currently insufficient to determine the role of this variant in disease. Therefore, it has been classified as a Variant of Uncertain Significance.

Laboratorio de Genetica e Diagnostico Molecular, Hospital Israelita Albert Einstein
Classification: Uncertain significance for Epilepsy, familial temporal lobe, 1. Last evaluated: 2025-03-20. Review status: criteria provided, single submitter. Criteria: ACMG Guidelines, 2015. Collection method: clinical testing. Allele origin: germline. Affected: yes.
Comment: ACMG classification criteria: PS4 supporting, PM2 supporting, PP1 supporting, PP2 supporting, PP3 supporting

Blueprint Genetics
Classification: Uncertain significance. Last evaluated: 2024-11-04. Review status: criteria provided, single submitter. Criteria: ACMG Guidelines, 2015. Collection method: clinical testing. Allele origin: germline.

Rare Disease Center, Seoul National University Hospital
Classification: Likely pathogenic. Last evaluated: 2023-03-23. Review status: no assertion criteria provided. Collection method: research. Allele origin: germline. Affected: yes. Not counted in ClinVar's aggregate classification.